The following is an entry in ClinVar:

NM_016203.4(PRKAG2):c.1208G>C (p.Arg403Thr)

Gene: PRKAG2 (protein kinase AMP-activated non-catalytic subunit gamma 2; minus strand). Cytogenetic location: 7q36.1.
Variant type: single nucleotide variant.
Coding change: c.1208G>C on transcript NM_016203.4 (MANE Select); coding-DNA position 1208, G replaced by C.
Protein change: p.Arg403Thr; replaces arginine 403 with threonine.
Molecular consequence: missense variant.
Genome position (GRCh38, 1-based): chr7:151,568,741, C>G on the plus strand (G>C on the coding strand, the complement: PRKAG2 is on the minus strand). VCF-style: chr7-151568741-C-G. GRCh37 (hg19) VCF-style: chr7-151265827-C-G.
Other names: c.1076G>C, p.Arg359Thr (NM_001040633.2, NM_001407024.1); c.833G>C, p.Arg278Thr (NM_001304527.2, NM_001407029.1); c.485G>C, p.Arg162Thr (NM_001304531.2, NM_001407034.1, NM_001407035.1 and 1 more transcripts); c.836G>C, p.Arg279Thr (NM_001363698.2, NM_001407028.1); c.1208G>C, p.Arg403Thr (NM_001407021.1); c.1205G>C, p.Arg402Thr (NM_001407022.1, NM_001407023.1); c.1073G>C, p.Arg358Thr (NM_001407026.1, NM_001407027.1); c.920G>C, p.Arg307Thr (NM_001407030.1); and 6 more; short protein forms R161T, R162T, R178T, R182T, R278T, R279T, R295T, R297T.
Identifiers: ClinVar variation 3387526 (VCV003387526.1).
Genomic context (GRCh38, chr7:151,568,741, plus strand): 5'-CAATTATGTCTTTAGAAACGCTAAAAACTACTTACAAAAAGCTGGAGGAACTTGAGGATT[C>G]TTTTGTGGGTAAGTATATAAAGTGCATTCCCACTGATAGGGTCAATAACGGGCAATCTGT-3'
Protein context (NP_057287.2, residues 393-413): GNALYILTHK[Arg403Thr]ILKFLQLFMS

ClinVar aggregate classification (germline): Uncertain significance (1 of 4 stars; one submission).

Conditions:
Hypertrophic cardiomyopathy. Also called: HYPERTROPHIC MYOCARDIOPATHY. Identifiers: Orphanet 217569, MedGen C0007194, MeSH D002312, MONDO:0005045, HP:0001639.

Submission:

All of Us Research Program, National Institutes of Health
Classification: Uncertain significance for Hypertrophic cardiomyopathy. Last evaluated: 2024-08-06. Review status: criteria provided, single submitter. Criteria: ACMG Guidelines, 2015. Collection method: clinical testing. Allele origin: germline. Inheritance: Autosomal dominant inheritance. Observed: 1 variant allele, 1 heterozygote.
Comment: This study involves interpretation of variants in research participants for the purpose of population health screening. Participant phenotype was not available at the time of variant classification. Additional details can be found in publication PMID: 35346344, PMCID: PMC8962531